The following is an entry in ClinVar:

NM_001267550.2(TTN):c.44378del (p.Pro14793fs)

Gene: TTN (titin; minus strand). Cytogenetic location: 2q31.2.
Variant type: Deletion.
Coding change: c.44378del on transcript NM_001267550.2 (MANE Select); coding-DNA position 44378, one base deleted (C; older notation c.44378delC).
Protein change: p.Pro14793fs; shifts the reading frame from proline 14793.
Molecular consequence: frameshift variant.
Genome position (GRCh38, 1-based): chr2:178,629,347, G deleted on the plus strand (C on the coding strand, the reverse complement: TTN is on the minus strand); the first of 3 consecutive G bases (chr2:178,629,347-178,629,349); deleting any one gives the same sequence. VCF-style (leftmost placement, unchanged base first): chr2-178629346-TG-T. GRCh37 (hg19) VCF-style: chr2-179494073-TG-T.
Other names: c.39455del, p.Pro13152fs (NM_001256850.1); c.17183del, p.Pro5728fs (NM_003319.4); c.36674del, p.Pro12225fs (NM_133378.4); c.17558del, p.Pro5853fs (NM_133432.3); c.17759del, p.Pro5920fs (NM_133437.4); c.39455delC (NM_001256850.1); c.44378del (NM_001267550.1); c.17183delC (NM_003319.4); short protein forms P12225fs, P13152fs, P14793fs, P5920fs, P5728fs, P5853fs.
Identifiers: ClinVar variation 422955 (VCV000422955.15), dbSNP rs1064796121, ClinGen allele CA16617376.

ClinVar aggregate classification (germline): Likely pathogenic. Review status: criteria provided, multiple submitters, no conflicts (2 of 4 stars). 3 submissions from 3 submitters: Likely pathogenic (3). Last evaluated 2026-02-06.

Conditions:
Cardiovascular phenotype. Identifiers: MedGen CN230736.
Dilated cardiomyopathy 1G (CMD1G). Identifiers: Orphanet 154, MedGen C1858763, MONDO:0011400, OMIM 604145.
Autosomal recessive limb-girdle muscular dystrophy type 2J (LGMDR10). Also called: Limb-girdle muscular dystrophy, type 2J; MUSCULAR DYSTROPHY, LIMB-GIRDLE, AUTOSOMAL RECESSIVE 10. Identifiers: Orphanet 140922, MedGen C1837342, MONDO:0012127, OMIM 608807.

Submissions (3):

Ambry Genetics
Classification: Likely pathogenic for Cardiovascular phenotype. Last evaluated: 2026-02-06. Review status: criteria provided, single submitter. Criteria: Ambry Variant Classification Scheme 2023. Collection method: clinical testing. Allele origin: germline.
Comment: The c.17183delC variant, located in coding exon 67 of the TTN gene, results from a deletion of one nucleotide at nucleotide position 17183, causing a translational frameshift with a predicted alternate stop codon (p.P5728Qfs*11). This exon is located in the I-band region of the N2-B isoform of the titin protein and is constitutively expressed in TTN transcripts (percent spliced in or PSI 100%). This alteration is expected to result in loss of function by premature protein truncation or nonsense-mediated mRNA decay. While truncating variants in TTN are present in 1-3% of the general population, truncating variants in the A-band are the most common cause of dilated cardiomyopathy (DCM) (Herman DS et al. N. Engl. J. Med., 2012 Feb;366:619-28; Roberts AM et al. Sci Transl Med, 2015 Jan;7:270ra6). TTN truncating variants encoded in constitutive exons (PSI >90%) have been found to be significantly associated with DCM regardless of their position in titin (Schafer S et al. Nat. Genet., 2017 01;49:46-53). This variant is also considered to be rare based on population cohorts in the Genome Aggregation Database (gnomAD). Based on the majority of available evidence to date, this variant is likely to be pathogenic.

Labcorp Genetics (formerly Invitae), Labcorp
Classification: Likely pathogenic for Dilated cardiomyopathy 1G; Autosomal recessive limb-girdle muscular dystrophy type 2J. Last evaluated: 2025-09-02. Review status: criteria provided, single submitter. Criteria: Invitae Variant Classification Sherloc (09022015). Collection method: clinical testing. Allele origin: germline.
Comment: This sequence change creates a premature translational stop signal (p.Pro14793Glnfs*11) in the TTN gene. While this is not anticipated to result in nonsense mediated decay, it is expected to create a truncated TTN protein. This variant is not present in population databases (gnomAD no frequency). This variant has not been observed in the literature in individuals with autosomal recessive TTN-related conditions. This variant has been reported in individual(s) with dilated cardiomyopathy (internal data); however, the role of the variant in this condition is currently unclear. ClinVar contains an entry for this variant (Variation ID: 422955). This variant is located in the I band of TTN (PMID: 25589632). Truncating variants in this region have been reported in individuals affected with autosomal recessive centronuclear myopathy (PMID: 23975875, internal data). Truncating variants in this region have also been identified in individuals affected with autosomal dominant dilated cardiomyopathy and/or cardio-related conditions (PMID: 27869827, 32964742, internal data). In summary, the currently available evidence indicates that the variant is pathogenic, but additional data are needed to prove that conclusively. Therefore, this variant has been classified as Likely Pathogenic.

GeneDx
Classification: Likely pathogenic. Last evaluated: 2024-02-08. Review status: criteria provided, single submitter. Criteria: GeneDx Variant Classification Process June 2021. Collection method: clinical testing. Allele origin: germline. Affected: yes.
Comment: Frameshift variant predicted to result in protein truncation or nonsense mediated decay in a gene for which loss of function is a known mechanism of disease; Not observed at significant frequency in large population cohorts (gnomAD); Has not been previously published as pathogenic or benign to our knowledge; Located in a region of TTN within the I-band in which the majority of loss of function variants are significantly associated with autosomal dominant titinopathies (PMID: 27625338, 27869827); This variant is associated with the following publications: (PMID: 27625338, 27869827)

Literature cited by the submitters: PubMed 25589632 (cited by Labcorp Genetics (formerly Invitae), Labcorp); PubMed 23975875 (cited by Labcorp Genetics (formerly Invitae), Labcorp); PubMed 27869827 (cited by Labcorp Genetics (formerly Invitae), Labcorp); PubMed 32964742 (cited by Labcorp Genetics (formerly Invitae), Labcorp).